The following is an entry in ClinVar:

ClinVar aggregate classification (germline): Conflicting classifications of pathogenicity. Review status: criteria provided, conflicting classifications (1 of 4 stars). 2 submissions from 2 submitters: Likely pathogenic (1); Uncertain significance (1). Last evaluated 2025-09-28.

Conditions:
Developmental and epileptic encephalopathy, 65. Also called: EPILEPTIC ENCEPHALOPATHY, EARLY INFANTILE, 65. Identifiers: MedGen C4693925, MONDO:0033374, OMIM 618008.

Submissions (2):

3billion
Classification: Likely pathogenic for Developmental and epileptic encephalopathy, 65. Last evaluated: 2025-09-28. Review status: criteria provided, single submitter. Criteria: ACMG Guidelines, 2015. Collection method: clinical testing. Allele origin: germline. Affected: yes.
Comment: The variant is not observed in the gnomAD v4.1.0 dataset. Predicted Consequence/Location: Missense variant. Missense changes are a common disease-causing mechanism. In silico tool predictions suggest damaging effect of the variant on gene or gene product [REVEL: 0.37 (>=0.6, sensitivity 0.68 and specificity 0.92); 3Cnet: 0.99 (> 0.75, sensitivity 0.96 and precision 0.92)]. A different missense change at the same codon (p.Ala455Pro) have been reported as pathogenic/likely pathogenic with strong evidence (ClinVar ID: VCV000973751 /PMID: 30664714). Therefore, this variant is classified as Likely pathogenic according to the recommendation of ACMG/AMP guideline.

Blueprint Genetics
Classification: Uncertain significance. Last evaluated: 2022-10-20. Review status: criteria provided, single submitter. Criteria: ACMG Guidelines, 2015. Collection method: clinical testing. Allele origin: germline.

Literature cited by the submitters: PubMed 30664714 (cited by 3billion).

NM_001037333.3(CYFIP2):c.1363G>A (p.Ala455Thr)

Gene: CYFIP2 (cytoplasmic FMR1 interacting protein 2; plus strand). Cytogenetic location: 5q33.3.
Variant type: single nucleotide variant.
Coding change: c.1363G>A on transcript NM_001037333.3 (MANE Select); coding-DNA position 1363, G replaced by A.
Protein change: p.Ala455Thr; replaces alanine 455 with threonine.
Molecular consequence: missense variant.
Genome position (GRCh38, 1-based): chr5:157,319,768, G>A. VCF-style: chr5-157319768-G-A. GRCh37 (hg19) VCF-style: chr5-156746776-G-A.
Other names: c.1285G>A, p.Ala429Thr (NM_001291721.2); c.1363G>A, p.Ala455Thr (NM_001291722.2, NM_014376.4); short protein forms A429T, A455T.
Identifiers: ClinVar variation 4854298 (VCV004854298.2).
Genomic context (GRCh38, chr5:157,319,768, plus strand): 5'-GACAGCTGGTGTGCTGGACATGGTGAACATGACCCTTGGCCTCTTCCTGCCCAGGTGATC[G>A]CCATGATCAAAGGCCTGCAGGTGCTCATGGGCAGGATGGAGAGCGTCTTCAACCAGGCCA-3'
Protein context (NP_001032410.1, residues 445-465): EEKFAFVEVI[Ala455Thr]MIKGLQVLMG